The following is an entry in ClinVar:

ClinVar aggregate classification (germline): Uncertain significance (1 of 4 stars; one submission).

Conditions:
Immunodeficiency 35 (IMD35). Also called: Susceptibility to infection due to TYK2 deficiency; HIES WITH ATYPICAL MYCOBACTERIOSIS, AUTOSOMAL RECESSIVE; HYPER-IgE SYNDROME WITH ATYPICAL MYCOBACTERIOSIS, AUTOSOMAL RECESSIVE; TYK2 DEFICIENCY. Identifiers: Orphanet 331226, MedGen C1969086, MONDO:0012682, OMIM 611521.

Allele frequency attached by ClinVar (database versions not stated): gnomAD exomes 0.00002 and 0.00007; ExAC 0.00003; gnomAD 0.00005; TOPMed 0.00005.
gnomAD v4.1: 102 of 1,613,934 alleles (0.0063%); highest among the groups gnomAD compares: Non-Finnish European, 0.0081%; no homozygotes.

Submission:

Labcorp Genetics (formerly Invitae), Labcorp
Classification: Uncertain significance for Immunodeficiency 35. Last evaluated: 2022-07-04. Review status: criteria provided, single submitter. Criteria: Invitae Variant Classification Sherloc (09022015). Collection method: clinical testing. Allele origin: germline.
Comment: This sequence change replaces aspartic acid, which is acidic and polar, with asparagine, which is neutral and polar, at codon 78 of the TYK2 protein (p.Asp78Asn). This variant is present in population databases (rs778171865, gnomAD 0.003%). This variant has not been reported in the literature in individuals affected with TYK2-related conditions. ClinVar contains an entry for this variant (Variation ID: 1059618). Algorithms developed to predict the effect of missense changes on protein structure and function output the following: SIFT: "Not Available"; PolyPhen-2: "Benign"; Align-GVGD: "Not Available". The asparagine amino acid residue is found in multiple mammalian species, which suggests that this missense change does not adversely affect protein function. In summary, the available evidence is currently insufficient to determine the role of this variant in disease. Therefore, it has been classified as a Variant of Uncertain Significance.

NM_003331.5(TYK2):c.232G>A (p.Asp78Asn)

Gene: TYK2 (tyrosine kinase 2; minus strand). Cytogenetic location: 19p13.2.
Variant type: single nucleotide variant.
Coding change: c.232G>A on transcript NM_003331.5 (MANE Select); coding-DNA position 232, G replaced by A.
Protein change: p.Asp78Asn; replaces aspartic acid 78 with asparagine.
Molecular consequence: missense variant.
Genome position (GRCh38, 1-based): chr19:10,368,380, C>T on the plus strand (G>A on the coding strand, the complement: TYK2 is on the minus strand). VCF-style: chr19-10368380-C-T. GRCh37 (hg19) VCF-style: chr19-10479056-C-T.
Other names: c.232G>A, p.Asp78Asn (NM_001385197.1, NM_001385198.1, NM_001385199.1 and 8 more transcripts); short protein forms D78N.
Identifiers: ClinVar variation 1059618 (VCV001059618.4), dbSNP rs778171865, ClinGen allele CA9193805.